The following is an entry in ClinVar:

NM_000492.4(CFTR):c.2194T>G (p.Leu732Val)

Gene: CFTR (CF transmembrane conductance regulator; plus strand). Cytogenetic location: 7q31.2.
Variant type: single nucleotide variant.
Coding change: c.2194T>G on transcript NM_000492.4 (MANE Select); coding-DNA position 2194, T replaced by G.
Protein change: p.Leu732Val; replaces leucine 732 with valine.
Molecular consequence: missense variant.
Genome position (GRCh38, 1-based): chr7:117,592,361, T>G. VCF-style: chr7-117592361-T-G. GRCh37 (hg19) VCF-style: chr7-117232415-T-G.
Other names: short protein forms L732V.
Identifiers: ClinVar variation 1098802 (VCV001098802.1), dbSNP rs2116032346, ClinGen allele CA368980344.

ClinVar aggregate classification (germline): Uncertain significance (1 of 4 stars; one submission).

Allele frequency attached by ClinVar (database versions not stated): gnomAD exomes below 0.00001.
gnomAD v4.1: 1 of 1,614,188 alleles (0.000062%); highest among the groups gnomAD compares: East Asian, 0.0022%; no homozygotes.

Submission:

Women's Health and Genetics/Laboratory Corporation of America, LabCorp
Classification: Uncertain significance. Last evaluated: 2021-04-16. Review status: criteria provided, single submitter. Criteria: LabCorp Variant Classification Summary - May 2015. Collection method: clinical testing. Allele origin: germline.
Comment: Variant summary: CFTR c.2194T>G (p.Leu732Val) results in a conservative amino acid change located in the CFTR regulator domain (IPR025837) of the encoded protein sequence. Five of five in-silico tools predict a benign effect of the variant on protein function. The variant was absent in 251276 control chromosomes. The available data on variant occurrences in the general population are insufficient to allow any conclusion about variant significance. To our knowledge, no occurrence of c.2194T>G in individuals affected with Cystic Fibrosis and no experimental evidence demonstrating its impact on protein function have been reported. No clinical diagnostic laboratories have submitted clinical-significance assessments for this variant to ClinVar after 2014. Based on the evidence outlined above, the variant was classified as uncertain significance.